The following is an entry in ClinVar:

NM_002335.4(LRP5):c.2705G>A (p.Gly902Asp)

Gene: LRP5 (LDL receptor related protein 5; plus strand). Cytogenetic location: 11q13.2.
Variant type: single nucleotide variant.
Coding change: c.2705G>A on transcript NM_002335.4 (MANE Select); coding-DNA position 2705, G replaced by A.
Protein change: p.Gly902Asp; replaces glycine 902 with aspartic acid.
Molecular consequence: missense variant.
Genome position (GRCh38, 1-based): chr11:68,413,890, G>A. VCF-style: chr11-68413890-G-A. GRCh37 (hg19) VCF-style: chr11-68181358-G-A.
Other names: c.962G>A, p.Gly321Asp (NM_001291902.2); short protein forms G321D, G902D.
Identifiers: ClinVar variation 4882669 (VCV004882669.2).

ClinVar aggregate classification (germline): Uncertain significance (1 of 4 stars; one submission).

Conditions:
Worth disease. Also called: Autosomal dominant osteosclerosis, Worth type; ENDOSTEAL HYPEROSTOSIS, AUTOSOMAL DOMINANT; OSTEOSCLEROSIS, AUTOSOMAL DOMINANT. Identifiers: Orphanet 2790, MedGen C0432273, MONDO:0007764, OMIM 144750.

gnomAD v4.1: 1 of 1,613,024 alleles (0.000062%); no homozygotes.

Submission:

Dasa
Classification: Uncertain significance for autosomal dominant osteosclerosis, Worth type. Last evaluated: 2025-10-31. Review status: criteria provided, single submitter. Criteria: DASA Assertion Criteria. Collection method: clinical testing. Allele origin: germline.
Comment: NM_002335.4(LRP5):c.2705G>A (p.Gly902Asp) is a missense variant that results in the substitution of glycine with aspartic acid. This variant is rare in population databases. Computational prediction algorithms are consistent with a deleterious effect. The currently available literature and clinical evidence are not sufficient to establish a definitive association between this variant and the reported condition. Therefore, this variant is classified as a variant of uncertain significance.